The following is an entry in ClinVar:

ClinVar aggregate classification (germline): Uncertain significance. Review status: criteria provided, multiple submitters, no conflicts (2 of 4 stars). 2 submissions from 2 submitters: Uncertain significance (2). Last evaluated 2024-03-26.

Conditions:
Immunodeficiency 39 (IMD39). Identifiers: Orphanet 574918, MedGen C4225358, MONDO:0014597, OMIM 616345.

Allele frequency attached by ClinVar (database versions not stated): TOPMed 0.00001; ExAC 0.00002; gnomAD 0.00002; gnomAD exomes 0.00003.

Submissions (2):

Labcorp Genetics (formerly Invitae), Labcorp
Classification: Uncertain significance for Immunodeficiency 39. Last evaluated: 2024-03-26. Review status: criteria provided, single submitter. Criteria: Invitae Variant Classification Sherloc (09022015). Collection method: clinical testing. Allele origin: germline.
Comment: This sequence change replaces arginine, which is basic and polar, with histidine, which is basic and polar, at codon 101 of the IRF7 protein (p.Arg101His). This variant is present in population databases (rs766683434, gnomAD 0.002%). This variant has not been reported in the literature in individuals affected with IRF7-related conditions. ClinVar contains an entry for this variant (Variation ID: 2278422). Advanced modeling of protein sequence and biophysical properties (such as structural, functional, and spatial information, amino acid conservation, physicochemical variation, residue mobility, and thermodynamic stability) performed at Invitae indicates that this missense variant is not expected to disrupt IRF7 protein function with a negative predictive value of 80%. In summary, the available evidence is currently insufficient to determine the role of this variant in disease. Therefore, it has been classified as a Variant of Uncertain Significance.

Ambry Genetics
Classification: Uncertain significance. Last evaluated: 2022-03-16. Review status: criteria provided, single submitter. Criteria: Ambry Variant Classification Scheme 2023. Collection method: clinical testing. Allele origin: germline.

NM_001572.5(IRF7):c.263G>A (p.Arg88His)

Gene: IRF7 (interferon regulatory factor 7; minus strand). Cytogenetic location: 11p15.5.
Variant type: single nucleotide variant.
Coding change: c.263G>A on transcript NM_001572.5 (MANE Select); coding-DNA position 263, G replaced by A.
Protein change: p.Arg88His; replaces arginine 88 with histidine.
Molecular consequence: missense variant.
Genome position (GRCh38, 1-based): chr11:614,928, C>T on the plus strand (G>A on the coding strand, the complement: IRF7 is on the minus strand). VCF-style: chr11-614928-C-T. GRCh37 (hg19) VCF-style: chr11-614928-C-T.
Other names: c.263G>A, p.Arg88His (NM_004029.4); c.302G>A, p.Arg101His (NM_004031.4); short protein forms R101H, R88H.
Identifiers: ClinVar variation 2278422 (VCV002278422.4), dbSNP rs766683434, ClinGen allele CA5784018.